The following is an entry in ClinVar:

NM_001999.4(FBN2):c.2557A>G (p.Ile853Val)

Gene: FBN2 (fibrillin 2; minus strand). Cytogenetic location: 5q23.3.
Variant type: single nucleotide variant.
Coding change: c.2557A>G on transcript NM_001999.4 (MANE Select); coding-DNA position 2557, A replaced by G.
Protein change: p.Ile853Val; replaces isoleucine 853 with valine.
Molecular consequence: missense variant.
Genome position (GRCh38, 1-based): chr5:128,357,393, T>C on the plus strand (A>G on the coding strand, the complement: FBN2 is on the minus strand). VCF-style: chr5-128357393-T-C. GRCh37 (hg19) VCF-style: chr5-127693085-T-C.
Other names: short protein forms I853V.
Identifiers: ClinVar variation 528399 (VCV000528399.9), dbSNP rs148598779, ClinGen allele CA3395499.
Genomic context (GRCh38, chr5:128,357,393, plus strand): 5'-AAGATCCAAGGTTGTTTCTGCAGGCCCCATTGACACATGGGTTGCTTTCACATTCATTTA[T>C]ATCTACAATCCAGAAGGAAAAGATTCTGTTAGAACTGCCATGTGTTTCTGGAAAATATTA-3'
Protein context (NP_001990.2, residues 843-863): FRTETETCED[Ile853Val]NECESNPCVN

ClinVar aggregate classification (germline): Conflicting classifications of pathogenicity. Review status: criteria provided, conflicting classifications (1 of 4 stars). 3 submissions from 3 submitters: Uncertain significance (2); Likely benign (1). Last evaluated 2025-03-03.

Conditions:
Connective tissue disorder. Also called: Connective tissue disease. Identifiers: MedGen C0009782, MONDO:0003900.
Congenital contractural arachnodactyly (CCA). Also called: Beals-Hecht syndrome; BEALS SYNDROME; Arthrogryposis, distal, type 9. Identifiers: Orphanet 115, MedGen C0220668, MONDO:0007363, OMIM 121050.

Allele frequency attached by ClinVar (database versions not stated): TOPMed 0.00001; ESP Exome Variant Server 0.00008.
gnomAD v4.1: 40 of 1,613,748 alleles (0.0025%); highest among the groups gnomAD compares: Non-Finnish European, 0.0031%; no homozygotes.

Submissions (3):

Labcorp Genetics (formerly Invitae), Labcorp
Classification: Uncertain significance for Congenital contractural arachnodactyly. Last evaluated: 2025-03-03. Review status: criteria provided, single submitter. Criteria: Invitae Variant Classification Sherloc (09022015). Collection method: clinical testing. Allele origin: germline.
Comment: This sequence change replaces isoleucine, which is neutral and non-polar, with valine, which is neutral and non-polar, at codon 853 of the FBN2 protein (p.Ile853Val). This variant is present in population databases (rs148598779, gnomAD 0.003%). This missense change has been observed in individuals with aortic dissection (internal data). ClinVar contains an entry for this variant (Variation ID: 528399). An algorithm developed to predict the effect of missense changes on protein structure and function outputs the following: PolyPhen-2: "Benign". The valine amino acid residue is found in multiple mammalian species, which suggests that this missense change does not adversely affect protein function. In summary, the available evidence is currently insufficient to determine the role of this variant in disease. Therefore, it has been classified as a Variant of Uncertain Significance.

GeneDx
Classification: Uncertain significance. Last evaluated: 2021-05-24. Review status: criteria provided, single submitter. Criteria: GeneDx Variant Classification Process June 2021. Collection method: clinical testing. Allele origin: germline. Affected: yes.
Comment: Has not been previously published as pathogenic or benign to our knowledge; Not observed at significant frequency in large population cohorts (Lek et al., 2016); In silico analysis supports that this missense variant does not alter protein structure/function; Although located in a calcium-binding EGF-like domain of the FBN2 gene, it does not affect a cysteine residue within this domain; cysteine substitutions in the calcium-binding EGF-like domains represent the majority of pathogenic missense changes associated with FBN2-related disorders (Frederic et al., 2009).; Reported in ClinVar (ClinVar Variant ID# 528399; Landrum et al., 2016)

Center for Human Genetics, Inc
Classification: Likely benign for Connective tissue disorder. Last evaluated: 2016-11-01. Review status: criteria provided, single submitter. Criteria: ACMG Guidelines, 2015. Collection method: clinical testing. Allele origin: germline. Affected: yes.